The following is an entry in ClinVar:

ClinVar aggregate classification (germline): Uncertain significance (1 of 4 stars; one submission).

Conditions:
Inborn genetic diseases. Identifiers: MedGen C0950123, MeSH D030342.

gnomAD v4.1: 3 of 1,173,559 alleles (0.00026%); highest among the groups gnomAD compares: Non-Finnish European, 0.00034%; no homozygotes.

Submission:

Ambry Genetics
Classification: Uncertain significance for Inborn genetic diseases. Last evaluated: 2026-01-05. Review status: criteria provided, single submitter. Criteria: Ambry Variant Classification Scheme 2023. Collection method: clinical testing. Allele origin: germline.
Comment: The c.757G>T (p.G253W) alteration is located in exon 1 (coding exon 1) of the USP27X gene. This alteration results from a G to T substitution at nucleotide position 757, causing the glycine (G) at amino acid position 253 to be replaced by a tryptophan (W). Based on data from gnomAD, the T allele has an overall frequency of 0.001% (1/122354) total alleles studied. The highest observed frequency was 0.002% (1/48558) of European (non-Finnish) alleles. Based on insufficient or conflicting evidence, the clinical significance of this alteration remains unclear.

NM_001145073.3(USP27X):c.757G>T (p.Gly253Trp)

Gene: USP27X (ubiquitin specific peptidase 27 X-linked; plus strand). Cytogenetic location: Xp11.23.
Variant type: single nucleotide variant.
Coding change: c.757G>T on transcript NM_001145073.3 (MANE Select); coding-DNA position 757, G replaced by T.
Protein change: p.Gly253Trp; replaces glycine 253 with tryptophan.
Molecular consequence: missense variant.
Genome position (GRCh38, 1-based): chrX:49,881,064, G>T. VCF-style: chrX-49881064-G-T. GRCh37 (hg19) VCF-style: chrX-49645667-G-T.
Other names: short protein forms G253W.
Identifiers: ClinVar variation 4829166 (VCV004829166.1).
Genomic context (GRCh38, chrX:49,881,064, plus strand): 5'-TTGCCTGGCTCTTGCACCTCCTTCTGGCCCATGAGCCCAGGGAGGGAGAGCAGTGTGAAC[G>T]GGGAAAGCCACATACCAGGAATCACCACCCTCACGGACTGCTTGCGGAGGTTTACGAGGC-3'
Protein context (NP_001138545.1, residues 243-263): MSPGRESSVN[Gly253Trp]ESHIPGITTL